The following is an entry in ClinVar:

NM_032043.3(BRIP1):c.2831A>C (p.Gln944Pro)

Gene: BRIP1 (BRCA1 interacting DNA helicase 1; minus strand). Cytogenetic location: 17q23.2.
Variant type: single nucleotide variant.
Coding change: c.2831A>C on transcript NM_032043.3 (MANE Select); coding-DNA position 2831, A replaced by C.
Protein change: p.Gln944Pro; replaces glutamine 944 with proline.
Molecular consequence: missense variant.
Genome position (GRCh38, 1-based): chr17:61,685,910, T>G on the plus strand (A>C on the coding strand, the complement: BRIP1 is on the minus strand). VCF-style: chr17-61685910-T-G. GRCh37 (hg19) VCF-style: chr17-59763271-T-G.
Other names: short protein forms Q944P.
Identifiers: ClinVar variation 650655 (VCV000650655.8), dbSNP rs148232408, ClinGen allele CA8690449.

ClinVar aggregate classification (germline): Uncertain significance. Review status: criteria provided, multiple submitters, no conflicts (2 of 4 stars). 3 submissions from 3 submitters: Uncertain significance (3). Last evaluated 2024-08-09.

Conditions:
Familial cancer of breast. Also called: hereditary breast carcinoma; BREAST CANCER, FAMILIAL; Hereditary breast cancer. Identifiers: Orphanet 227535, MedGen C0346153, MONDO:0016419, OMIM 114480. Disease mechanism: loss of function.
Fanconi anemia complementation group J. Also called: BRIP1-Related Fanconi Anemia. Identifiers: Orphanet 84, MedGen C1836860, MONDO:0012187, OMIM 609054.
Hereditary cancer-predisposing syndrome. Also called: Hereditary Cancer Syndrome; Tumor predisposition; Neoplastic Syndromes, Hereditary; Hereditary neoplastic syndrome. Identifiers: Orphanet 140162, MedGen C0027672, MeSH D009386, MONDO:0015356.

Allele frequency attached by ClinVar (database versions not stated): ExAC 0.00001.
gnomAD v4.1: 5 of 1,614,124 alleles (0.00031%); highest among the groups gnomAD compares: Non-Finnish European, 0.00042%; no homozygotes.

Submissions (3):

Ambry Genetics
Classification: Uncertain significance for Hereditary cancer-predisposing syndrome. Last evaluated: 2024-08-09. Review status: criteria provided, single submitter. Criteria: Ambry Variant Classification Scheme 2023. Collection method: clinical testing. Allele origin: germline.
Comment: The p.Q944P variant (also known as c.2831A>C), located in coding exon 18 of the BRIP1 gene, results from an A to C substitution at nucleotide position 2831. The glutamine at codon 944 is replaced by proline, an amino acid with similar properties. This amino acid position is well conserved in available vertebrate species. In addition, the in silico prediction for this alteration is inconclusive. Based on the available evidence, the clinical significance of this variant remains unclear.

Baylor Genetics
Classification: Uncertain significance for Familial cancer of breast. Last evaluated: 2023-12-21. Review status: criteria provided, single submitter. Criteria: ACMG Guidelines, 2015. Collection method: clinical testing. Allele origin: unknown.

Labcorp Genetics (formerly Invitae), Labcorp
Classification: Uncertain significance for Familial cancer of breast; Fanconi anemia complementation group J. Last evaluated: 2022-08-08. Review status: criteria provided, single submitter. Criteria: Invitae Variant Classification Sherloc (09022015). Collection method: clinical testing. Allele origin: germline.
Comment: This sequence change replaces glutamine, which is neutral and polar, with proline, which is neutral and non-polar, at codon 944 of the BRIP1 protein (p.Gln944Pro). This variant is present in population databases (rs148232408, gnomAD 0.0009%). This variant has not been reported in the literature in individuals affected with BRIP1-related conditions. ClinVar contains an entry for this variant (Variation ID: 650655). Algorithms developed to predict the effect of missense changes on protein structure and function (SIFT, PolyPhen-2, Align-GVGD) all suggest that this variant is likely to be tolerated. In summary, the available evidence is currently insufficient to determine the role of this variant in disease. Therefore, it has been classified as a Variant of Uncertain Significance.